The following is an entry in ClinVar:

NM_201525.4(ADGRG1):c.279C>A (p.Tyr93Ter)

Gene: ADGRG1 (adhesion G protein-coupled receptor G1; plus strand). Cytogenetic location: 16q21.
Variant type: single nucleotide variant.
Coding change: c.279C>A on transcript NM_201525.4 (MANE Select); coding-DNA position 279, C replaced by A.
Protein change: p.Tyr93Ter; replaces tyrosine 93 with a stop codon.
Molecular consequence: nonsense. On other transcripts: 5 prime UTR variant (5), intron variant (1).
Genome position (GRCh38, 1-based): chr16:57,651,414, C>A. VCF-style: chr16-57651414-C-A. GRCh37 (hg19) VCF-style: chr16-57685326-C-A.
Other names: c.279C>A, p.Tyr93Ter (NM_001145770.3, NM_001145771.3, NM_001145772.3 and 16 more transcripts); c.294C>A, p.Tyr98Ter (NM_001145773.3, NM_001370433.1); c.-247C>A (NM_001290143.2, NM_001290144.2, NM_001370451.1 and 2 more transcripts); c.123C>A, p.Tyr41Ter (NM_001370442.1); c.110+169C>A (NM_001290142.2); short protein forms Y41*, Y93*, Y98*.
Identifiers: ClinVar variation 1974309 (VCV001974309.5), dbSNP rs2545109306, ClinGen allele CA396042933.

ClinVar aggregate classification (germline): Pathogenic (1 of 4 stars; one submission).

gnomAD v4.1: 1 of 1,614,236 alleles (0.000062%); no homozygotes.

Submission:

Labcorp Genetics (formerly Invitae), Labcorp
Classification: Pathogenic. Last evaluated: 2025-04-07. Review status: criteria provided, single submitter. Criteria: Invitae Variant Classification Sherloc (09022015). Collection method: clinical testing. Allele origin: germline.
Comment: This sequence change creates a premature translational stop signal (p.Tyr93*) in the ADGRG1 gene. It is expected to result in an absent or disrupted protein product. Loss-of-function variants in ADGRG1 are known to be pathogenic (PMID: 15044805, 20929962). This variant is not present in population databases (gnomAD no frequency). This variant has not been reported in the literature in individuals affected with ADGRG1-related conditions. ClinVar contains an entry for this variant (Variation ID: 1974309). For these reasons, this variant has been classified as Pathogenic.

Literature cited by the submitters: PubMed 15044805; PubMed 20929962.